The following is an entry in ClinVar:

NM_015021.3(ZNF292):c.7905T>A (p.Ala2635=)

Gene: ZNF292 (zinc finger protein 292; plus strand). Cytogenetic location: 6q14.3.
Variant type: single nucleotide variant.
Coding change: c.7905T>A on transcript NM_015021.3 (MANE Select); coding-DNA position 7905, T replaced by A.
Protein change: p.Ala2635=; no amino-acid change (alanine 2635 retained).
Molecular consequence: synonymous variant.
Genome position (GRCh38, 1-based): chr6:87,261,534, T>A. VCF-style: chr6-87261534-T-A. GRCh37 (hg19) VCF-style: chr6-87971252-T-A.
Other names: c.7485T>A, p.Ala2495= (NM_001351444.2).
Identifiers: ClinVar variation 3050058 (VCV003050058.19), dbSNP rs376443708, ClinGen allele CA3914877.
Genomic context (GRCh38, chr6:87,261,534, plus strand): 5'-GAATACTGGAAACAAAAAAGGATCCCATTCAAATTCAAGAAAAAATATTGATAAGACTGC[T>A]GTGACTAGTGGAAATCATGTATGTCCTTGTAAAGAAAGCGAAACGTTTGTACAGTTTGCC-3'
Protein context (NP_055836.1, residues 2625-2645): SNSRKNIDKT[Ala2635=]VTSGNHVCPC

ClinVar aggregate classification (germline): Likely benign. Review status: criteria provided, multiple submitters, no conflicts (2 of 4 stars). 3 submissions from 3 submitters: Likely benign (2). 1 of the submissions does not count toward it. Last evaluated 2025-06-01.

Conditions:
ZNF292-related disorder. Also called: ZNF292-related condition.

Allele frequency attached by ClinVar (database versions not stated): ExAC 0.00002; gnomAD 0.00003; ESP Exome Variant Server 0.00008.

Submissions (3):

CeGaT Center for Human Genetics Tuebingen
Classification: Likely benign. Last evaluated: 2025-06-01. Review status: criteria provided, single submitter. Criteria: CeGaT Center For Human Genetics Tuebingen Variant Classification Criteria Version 2. Collection method: clinical testing. Allele origin: germline. Affected: yes. Observed: 2 variant alleles.
Comment: ZNF292: BP4

Blueprint Genetics
Classification: Likely benign. Last evaluated: 2024-06-14. Review status: criteria provided, single submitter. Criteria: ACMG Guidelines, 2015. Collection method: clinical testing. Allele origin: germline.

PreventionGenetics, part of Exact Sciences
Classification: Likely benign for ZNF292-related condition. Last evaluated: 2019-07-18. Review status: no assertion criteria provided. Collection method: clinical testing. Allele origin: germline. Not counted in ClinVar's aggregate classification.
Comment: This variant is classified as likely benign based on ACMG/AMP sequence variant interpretation guidelines (Richards et al. 2015 PMID: 25741868, with internal and published modifications).